The following is an entry in ClinVar:

ClinVar aggregate classification (germline): Uncertain significance (1 of 4 stars; one submission).

Submission:

Labcorp Genetics (formerly Invitae), Labcorp
Classification: Uncertain significance. Last evaluated: 2023-06-03. Review status: criteria provided, single submitter. Criteria: Invitae Variant Classification Sherloc (09022015). Collection method: clinical testing. Allele origin: germline.
Comment: This variant has not been reported in the literature in individuals affected with KCNJ13-related conditions. In summary, the available evidence is currently insufficient to determine the role of this variant in disease. Therefore, it has been classified as a Variant of Uncertain Significance. Advanced modeling of protein sequence and biophysical properties (such as structural, functional, and spatial information, amino acid conservation, physicochemical variation, residue mobility, and thermodynamic stability) performed at Invitae indicates that this missense variant is not expected to disrupt KCNJ13 protein function. This variant is not present in population databases (gnomAD no frequency). This sequence change replaces phenylalanine, which is neutral and non-polar, with leucine, which is neutral and non-polar, at codon 126 of the KCNJ13 protein (p.Phe126Leu).

NM_002242.4(KCNJ13):c.378C>A (p.Phe126Leu)

Genes: GIGYF2 (GRB10 interacting GYF protein 2; plus strand), KCNJ13 (potassium inwardly rectifying channel subfamily J member 13; minus strand). Cytogenetic location: 2q37.1.
Variant type: single nucleotide variant.
Coding change: c.378C>A on transcript NM_002242.4 (MANE Select); coding-DNA position 378, C replaced by A.
Protein change: p.Phe126Leu; replaces phenylalanine 126 with leucine.
Molecular consequence: missense variant. On other transcripts: intron variant (5).
Genome position (GRCh38, 1-based): chr2:232,770,985, G>T on the plus strand (C>A on the coding strand, the complement: KCNJ13 is on the minus strand). VCF-style: chr2-232770985-G-T. GRCh37 (hg19) VCF-style: chr2-233635695-G-T.
Other names: c.138C>A, p.Phe46Leu (NM_001172417.1); c.532+9549G>T (NM_001103146.3, NM_015575.4, NM_001103148.2); c.533-5427G>T (NM_001103147.2); c.224+154C>A (NM_001172416.1); short protein forms F46L, F126L.
Identifiers: ClinVar variation 3012727 (VCV003012727.3), dbSNP rs2469812748, ClinGen allele CA351013392.
Genomic context (GRCh38, chr2:232,770,985, plus strand): 5'-GAGGCCTAGGAGCATTTGTATGGCAAGTAAGGCGATTGCACTTGGACAGTCACCACTGGG[G>T]AACATGGTACCATAACCAATTGTGAGTTGTGTCTCCAGGGAGAAGGAGAATGCAGCTGTG-3'
Protein context (NP_002233.2, residues 116-136): TQLTIGYGTM[Phe126Leu]PSGDCPSAIA